The following is an entry in ClinVar:

NM_032634.4(PIGO):c.1119+122G>A

Gene: PIGO (phosphatidylinositol glycan anchor biosynthesis class O; minus strand). Cytogenetic location: 9p13.3.
Variant type: single nucleotide variant.
Coding change: c.1119+122G>A on transcript NM_032634.4 (MANE Select); 122 bases into the intron after coding-DNA position 1119, G replaced by A.
Molecular consequence: intron variant.
Genome position (GRCh38, 1-based): chr9:35,092,908, C>T on the plus strand (G>A on the coding strand, the complement: PIGO is on the minus strand). VCF-style: chr9-35092908-C-T. GRCh37 (hg19) VCF-style: chr9-35092905-C-T.
Other names: c.1119+122G>A (NM_152850.4, NM_001201484.2).
Identifiers: ClinVar variation 677380 (VCV000677380.2), dbSNP rs76032450, ClinGen allele CA192712380.

ClinVar aggregate classification (germline): Benign. Review status: criteria provided, multiple submitters, no conflicts (2 of 4 stars). 2 submissions from 2 submitters: Benign (2). Last evaluated 2018-06-14.

Allele frequency attached by ClinVar (database versions not stated): gnomAD 0.03036 and 0.03279; 1000 Genomes Project 0.03215; 1000 Genomes Project 30x 0.03232; TOPMed 0.03407.
gnomAD v4.1: 8,292 of 1,384,288 alleles (0.6%); highest among the groups gnomAD compares: African/African-American, 11%; 449 homozygotes.

Submissions (2):

GeneDx
Classification: Benign. Last evaluated: 2018-06-14. Review status: criteria provided, single submitter. Criteria: GeneDx Variant Classification (06012015). Collection method: clinical testing. Allele origin: germline. Affected: yes.
Comment: This variant is considered likely benign or benign based on one or more of the following criteria: it is a conservative change, it occurs at a poorly conserved position in the protein, it is predicted to be benign by multiple in silico algorithms, and/or has population frequency not consistent with disease.

Breakthrough Genomics
Classification: Benign. Review status: criteria provided, single submitter. Criteria: ACMG Guidelines, 2015. Collection method: not provided. Allele origin: germline. Inheritance: Autosomal recessive inheritance. Affected: yes.